The following is an entry in ClinVar:

ClinVar aggregate classification (germline): Conflicting classifications of pathogenicity. Review status: criteria provided, conflicting classifications (1 of 4 stars). 9 submissions from 5 submitters: Uncertain significance (4); Benign (2); Likely benign (3). Last evaluated 2025-09-14.

Conditions:
Cardiovascular phenotype. Identifiers: MedGen CN230736.
Autosomal recessive limb-girdle muscular dystrophy type 2J (LGMDR10). Also called: Limb-girdle muscular dystrophy, type 2J; MUSCULAR DYSTROPHY, LIMB-GIRDLE, AUTOSOMAL RECESSIVE 10. Identifiers: Orphanet 140922, MedGen C1837342, MONDO:0012127, OMIM 608807.
Dilated cardiomyopathy 1G (CMD1G). Identifiers: Orphanet 154, MedGen C1858763, MONDO:0011400, OMIM 604145.
Early-onset myopathy with fatal cardiomyopathy (CMYO5). Also called: Salih Myopathy; CONGENITAL MYOPATHY 5 WITH CARDIOMYOPATHY. Identifiers: Orphanet 289377, MedGen C2673677, MONDO:0012714, OMIM 611705. Disease mechanism: loss of function.
Myopathy, myofibrillar, 9, with early respiratory failure (MFM9). Also called: Hereditary myopathy with early respiratory failure; EDSTROM MYOPATHY; MYOPATHY, PROXIMAL, WITH EARLY RESPIRATORY MUSCLE INVOLVEMENT; Myopathy, distal, with early respiratory failure, autosomal dominant. Identifiers: Orphanet 178464, Orphanet 34521, MedGen C1863599, MONDO:0011362, OMIM 603689.
Tibial muscular dystrophy (TMD). Also called: Udd Distal Myopathy – Tibial Muscular Dystrophy; Tibial muscular dystrophy, tardive; UDD MYOPATHY. Identifiers: Orphanet 609, MedGen C1838244, MONDO:0010870, OMIM 600334.

Allele frequency attached by ClinVar (database versions not stated): gnomAD 0.00001; gnomAD exomes 0.00001 and 0.00002; ExAC 0.00002; TOPMed 0.00002.
gnomAD v4.1: 17 of 1,614,090 alleles (0.0011%); highest among the groups gnomAD compares: Admixed American, 0.01%; no homozygotes.

Submissions (9):

Labcorp Genetics (formerly Invitae), Labcorp
Classification: Likely benign for Dilated cardiomyopathy 1G; Autosomal recessive limb-girdle muscular dystrophy type 2J. Last evaluated: 2025-09-14. Review status: criteria provided, single submitter. Criteria: Invitae Variant Classification Sherloc (09022015). Collection method: clinical testing. Allele origin: germline.

Ambry Genetics
Classification: Likely benign for Cardiovascular phenotype. Last evaluated: 2023-05-18. Review status: criteria provided, single submitter. Criteria: Ambry Variant Classification Scheme 2023. Collection method: clinical testing. Allele origin: germline.

Revvity Omics, Revvity
Classification: Uncertain significance. Last evaluated: 2019-06-03. Review status: criteria provided, single submitter. Criteria: ACMG Guidelines, 2015. Collection method: clinical testing. Allele origin: germline.

GeneDx
Classification: Likely benign. Last evaluated: 2018-05-16. Review status: criteria provided, single submitter. Criteria: GeneDx Variant Classification (06012015). Collection method: clinical testing. Allele origin: germline. Affected: yes.
Comment: This variant is considered likely benign or benign based on one or more of the following criteria: it is a conservative change, it occurs at a poorly conserved position in the protein, it is predicted to be benign by multiple in silico algorithms, and/or has population frequency not consistent with disease.

Illumina Laboratory Services, Illumina
Classification: Uncertain significance for Dilated cardiomyopathy 1G. Last evaluated: 2018-01-13. Review status: criteria provided, single submitter. Criteria: ICSL Variant Classification Criteria 13 December 2019. Collection method: clinical testing. Allele origin: germline.

Illumina Laboratory Services, Illumina
Classification: Benign for Tibial muscular dystrophy. Last evaluated: 2018-01-13. Review status: criteria provided, single submitter. Criteria: ICSL Variant Classification Criteria 13 December 2019. Collection method: clinical testing. Allele origin: germline.
Comment: This variant was observed in the ICSL laboratory as part of a predisposition screen in an ostensibly healthy population. It had not been previously curated by ICSL or reported in the Human Gene Mutation Database (HGMD: prior to June 1st, 2018), and was therefore a candidate for classification through an automated scoring system. Utilizing variant allele frequency, disease prevalence and penetrance estimates, and inheritance mode, an automated score was calculated to assess if this variant is too frequent to cause the disease. Based on the score and internal cut-off values, a variant classified as benign is not then subjected to further curation. The score for this variant resulted in a classification of benign for this disease.

Illumina Laboratory Services, Illumina
Classification: Uncertain significance for Early-onset myopathy with fatal cardiomyopathy. Last evaluated: 2018-01-13. Review status: criteria provided, single submitter. Criteria: ICSL Variant Classification Criteria 13 December 2019. Collection method: clinical testing. Allele origin: germline.

Illumina Laboratory Services, Illumina
Classification: Uncertain significance for Autosomal recessive limb-girdle muscular dystrophy type 2J. Last evaluated: 2018-01-13. Review status: criteria provided, single submitter. Criteria: ICSL Variant Classification Criteria 13 December 2019. Collection method: clinical testing. Allele origin: germline.

Illumina Laboratory Services, Illumina
Classification: Benign for Myopathy, myofibrillar, 9, with early respiratory failure. Last evaluated: 2018-01-13. Review status: criteria provided, single submitter. Criteria: ICSL Variant Classification Criteria 13 December 2019. Collection method: clinical testing. Allele origin: germline.
Comment: the same text as in the submission from Illumina Laboratory Services, Illumina above.

NM_001267550.2(TTN):c.864C>T (p.His288=)

Gene: TTN (titin; minus strand). Cytogenetic location: 2q31.2.
Variant type: single nucleotide variant.
Coding change: c.864C>T on transcript NM_001267550.2 (MANE Select); coding-DNA position 864, C replaced by T.
Protein change: p.His288=; no amino-acid change (histidine 288 retained).
Molecular consequence: synonymous variant.
Genome position (GRCh38, 1-based): chr2:178,799,537, G>A on the plus strand (C>T on the coding strand, the complement: TTN is on the minus strand). VCF-style: chr2-178799537-G-A. GRCh37 (hg19) VCF-style: chr2-179664264-G-A.
Other names: c.864C>T, p.His288= (NM_003319.4, NM_133379.5, NM_133432.3 and 3 more transcripts).
Identifiers: ClinVar variation 668530 (VCV000668530.17), dbSNP rs772543040, ClinGen allele CA2006213.